The following is an entry in ClinVar:

ClinVar aggregate classification (germline): Uncertain significance (1 of 4 stars; one submission).

Conditions:
Fabry disease. Also called: Fabry's disease; ALPHA-GALACTOSIDASE A DEFICIENCY; ANDERSON-FABRY DISEASE; CERAMIDE TRIHEXOSIDASE DEFICIENCY; GLA DEFICIENCY; HEREDITARY DYSTOPIC LIPIDOSIS. Identifiers: Orphanet 324, MedGen C0002986, MONDO:0010526, OMIM 301500, HP:0001071. Disease mechanism: Fabry disease is due to inactivating mutations in the X-linked GLA gene resulting in deficiency of the enzyme Alpha Galactosidase-A., loss of function.

Submission:

Labcorp Genetics (formerly Invitae), Labcorp
Classification: Uncertain significance for Fabry disease. Last evaluated: 2024-06-09. Review status: criteria provided, single submitter. Criteria: Invitae Variant Classification Sherloc (09022015). Collection method: clinical testing. Allele origin: germline.
Comment: This sequence change replaces proline, which is neutral and non-polar, with threonine, which is neutral and polar, at codon 265 of the GLA protein (p.Pro265Thr). This variant is not present in population databases (gnomAD no frequency). This missense change has been observed in individual(s) with clinical features of Fabry disease (Invitae). Advanced modeling of protein sequence and biophysical properties (such as structural, functional, and spatial information, amino acid conservation, physicochemical variation, residue mobility, and thermodynamic stability) performed at Invitae indicates that this missense variant is expected to disrupt GLA protein function with a positive predictive value of 80%. This variant disrupts the p.Pro265 amino acid residue in GLA. Other variant(s) that disrupt this residue have been observed in individuals with GLA-related conditions (PMID: 8931708, 30477121; Invitae), which suggests that this may be a clinically significant amino acid residue. In summary, the available evidence is currently insufficient to determine the role of this variant in disease. Therefore, it has been classified as a Variant of Uncertain Significance.

Literature cited by the submitters: PubMed 8931708; PubMed 30477121.

NM_000169.3(GLA):c.793C>A (p.Pro265Thr)

Genes: GLA (galactosidase alpha; minus strand), RPL36A-HNRNPH2 (RPL36A-HNRNPH2 readthrough; plus strand). Cytogenetic location: Xq22.1.
Variant type: single nucleotide variant.
Coding change: c.793C>A on transcript NM_000169.3 (MANE Select); coding-DNA position 793, C replaced by A.
Protein change: p.Pro265Thr; replaces proline 265 with threonine.
Molecular consequence: missense variant. On other transcripts: non-coding transcript variant (3), intron variant (2).
Genome position (GRCh38, 1-based): chrX:101,398,793, G>T on the plus strand (C>A on the coding strand, the complement: GLA is on the minus strand). VCF-style: chrX-101398793-G-T. GRCh37 (hg19) VCF-style: chrX-100653781-G-T.
Other names: c.916C>A, p.Pro306Thr (NM_001406747.1); c.793C>A, p.Pro265Thr (NM_001406748.1); c.300+3336G>T (NM_001199973.2); c.177+6971G>T (NM_001199974.2); short protein forms P265T, P306T.
Identifiers: ClinVar variation 3655442 (VCV003655442.2).